The following is an entry in ClinVar:

NM_000321.3(RB1):c.1900T>A (p.Ser634Thr)

Gene: RB1 (RB transcriptional corepressor 1; plus strand). Cytogenetic location: 13q14.2.
Variant type: single nucleotide variant.
Coding change: c.1900T>A on transcript NM_000321.3 (MANE Select); coding-DNA position 1900, T replaced by A.
Protein change: p.Ser634Thr; replaces serine 634 with threonine.
Molecular consequence: missense variant.
Genome position (GRCh38, 1-based): chr13:48,456,289, T>A. VCF-style: chr13-48456289-T-A. GRCh37 (hg19) VCF-style: chr13-49030425-T-A.
Other names: c.1900T>A, p.Ser634Thr (NM_001407165.1); short protein forms S634T.
Identifiers: ClinVar variation 3231209 (VCV003231209.1), dbSNP rs2542364196, ClinGen allele CA388166056.

ClinVar aggregate classification (germline): Uncertain significance (1 of 4 stars; one submission).

Conditions:
Hereditary cancer-predisposing syndrome. Also called: Neoplastic Syndromes, Hereditary; Tumor predisposition; Hereditary neoplastic syndrome; Hereditary Cancer Syndrome. Identifiers: Orphanet 140162, MedGen C0027672, MeSH D009386, MONDO:0015356.

Submission:

Ambry Genetics
Classification: Uncertain significance for Hereditary cancer-predisposing syndrome. Last evaluated: 2024-02-27. Review status: criteria provided, single submitter. Criteria: Ambry Variant Classification Scheme 2023. Collection method: clinical testing. Allele origin: germline.
Comment: The p.S634T variant (also known as c.1900T>A), located in coding exon 19 of the RB1 gene, results from a T to A substitution at nucleotide position 1900. The serine at codon 634 is replaced by threonine, an amino acid with similar properties. This amino acid position is conserved. In addition, this alteration is predicted to be tolerated by in silico analysis. Based on the available evidence, the clinical significance of this alteration remains unclear.